The following is an entry in ClinVar:

ClinVar aggregate classification (germline): Uncertain significance (1 of 4 stars; one submission).

Conditions:
Colorectal cancer, hereditary nonpolyposis, type 7. Identifiers: Orphanet 144, MedGen C1858380, MONDO:0013725, OMIM 614385.

Submission:

Labcorp Genetics (formerly Invitae), Labcorp
Classification: Uncertain significance for Colorectal cancer, hereditary nonpolyposis, type 7. Last evaluated: 2024-01-30. Review status: criteria provided, single submitter. Criteria: Invitae Variant Classification Sherloc (09022015). Collection method: clinical testing. Allele origin: germline.
Comment: This sequence change replaces glutamic acid, which is acidic and polar, with alanine, which is neutral and non-polar, at codon 559 of the MLH3 protein (p.Glu559Ala). This variant is not present in population databases (gnomAD no frequency). This variant has not been reported in the literature in individuals affected with MLH3-related conditions. An algorithm developed to predict the effect of missense changes on protein structure and function (PolyPhen-2) suggests that this variant is likely to be tolerated. In summary, the available evidence is currently insufficient to determine the role of this variant in disease. Therefore, it has been classified as a Variant of Uncertain Significance.

NM_001040108.2(MLH3):c.1676A>C (p.Glu559Ala)

Gene: MLH3 (mutL homolog 3; minus strand). Cytogenetic location: 14q24.3.
Variant type: single nucleotide variant.
Coding change: c.1676A>C on transcript NM_001040108.2 (MANE Select); coding-DNA position 1676, A replaced by C.
Protein change: p.Glu559Ala; replaces glutamic acid 559 with alanine.
Molecular consequence: missense variant.
Genome position (GRCh38, 1-based): chr14:75,047,980, T>G on the plus strand (A>C on the coding strand, the complement: MLH3 is on the minus strand). VCF-style: chr14-75047980-T-G. GRCh37 (hg19) VCF-style: chr14-75514683-T-G.
Other names: c.1676A>C, p.Glu559Ala (NM_014381.3); short protein forms E559A.
Identifiers: ClinVar variation 2714221 (VCV002714221.3), dbSNP rs2503289746, ClinGen allele CA390444654.